The following is an entry in ClinVar:

ClinVar aggregate classification (germline): Uncertain significance (1 of 4 stars; one submission).

Conditions:
Early-infantile DEE. Also called: Early infantile epileptic encephalopathy; Ohtahara syndrome; Early infantile epileptic encephalopathy with suppression bursts. Identifiers: Orphanet 1934, MedGen C0393706, MONDO:0800491.

Allele frequency attached by ClinVar (database versions not stated): gnomAD exomes below 0.00001.
gnomAD v4.1: 1 of 1,610,540 alleles (0.000062%); highest among the groups gnomAD compares: Non-Finnish European, 0.000085%; no homozygotes.

Submission:

Labcorp Genetics (formerly Invitae), Labcorp
Classification: Uncertain significance for Early-infantile DEE. Last evaluated: 2023-03-27. Review status: criteria provided, single submitter. Criteria: Invitae Variant Classification Sherloc (09022015). Collection method: clinical testing. Allele origin: germline.
Comment: This sequence change falls in intron 5 of the SCN1A gene. It does not directly change the encoded amino acid sequence of the SCN1A protein. It affects a nucleotide within the consensus splice site. This variant is not present in population databases (gnomAD no frequency). This variant has not been reported in the literature in individuals affected with SCN1A-related conditions. Variants that disrupt the consensus splice site are a relatively common cause of aberrant splicing (PMID: 17576681, 9536098). Algorithms developed to predict the effect of sequence changes on RNA splicing suggest that this variant is not likely to affect RNA splicing. In summary, the available evidence is currently insufficient to determine the role of this variant in disease. Therefore, it has been classified as a Variant of Uncertain Significance.

Literature cited by the submitters: PubMed 17576681; PubMed 9536098.

NM_001165963.4(SCN1A):c.694+3G>A

Gene: SCN1A (sodium voltage-gated channel alpha subunit 1; minus strand). Cytogenetic location: 2q24.3.
Variant type: single nucleotide variant.
Coding change: c.694+3G>A on transcript NM_001165963.4 (MANE Select); 3 bases into the intron after coding-DNA position 694, G replaced by A.
Molecular consequence: intron variant.
Genome position (GRCh38, 1-based): chr2:166,052,849, C>T on the plus strand (G>A on the coding strand, the complement: SCN1A is on the minus strand). VCF-style: chr2-166052849-C-T. GRCh37 (hg19) VCF-style: chr2-166909359-C-T.
Other names: c.694+3G>A (NM_001353949.2, NM_001353958.2, NM_001353950.2 and 10 more transcripts); c.-1732+3G>A (NM_001353961.2).
Identifiers: ClinVar variation 3014949 (VCV003014949.3), dbSNP rs2468232455, ClinGen allele CA2577144622.